The following is an entry in ClinVar:

ClinVar aggregate classification (germline): Uncertain significance (1 of 4 stars; one submission).

Conditions:
CASP14-related disorder. Also called: CASP14-related condition.

Submission:

PreventionGenetics, part of Exact Sciences
Classification: Uncertain significance for CASP14-related condition. Last evaluated: 2026-03-10. Review status: criteria provided, single submitter. Criteria: ACMG Guidelines, 2015. Collection method: clinical testing. Allele origin: germline.
Comment: The CASP14 c.535C>T variant is predicted to result in premature protein termination (p.Arg179*). To our knowledge, this variant has not been reported in the literature. This variant is reported in 0.0058% of alleles in individuals of Latino descent in gnomAD. At this time, the clinical significance of this variant is uncertain due to the absence of conclusive functional and genetic evidence.

NM_012114.3(CASP14):c.535C>T (p.Arg179Ter)

Gene: CASP14 (caspase 14; plus strand). Cytogenetic location: 19p13.12.
Variant type: single nucleotide variant.
Coding change: c.535C>T on transcript NM_012114.3 (MANE Select); coding-DNA position 535, C replaced by T.
Protein change: p.Arg179Ter; replaces arginine 179 with a stop codon.
Molecular consequence: nonsense.
Genome position (GRCh38, 1-based): chr19:15,055,444, C>T. VCF-style: chr19-15055444-C-T. GRCh37 (hg19) VCF-style: chr19-15166255-C-T.
Other names: short protein forms R179*.
Identifiers: ClinVar variation 4989438 (VCV004989438.1).